The following is an entry in ClinVar:

ClinVar aggregate classification (germline): Conflicting classifications of pathogenicity. Review status: criteria provided, conflicting classifications (1 of 4 stars). 2 submissions from 2 submitters: Uncertain significance (1); Likely benign (1). Last evaluated 2025-02-11.

Conditions:
Inborn genetic diseases. Identifiers: MedGen C0950123, MeSH D030342.

Allele frequency attached by ClinVar (database versions not stated): gnomAD 0.00002 and 0.00003; gnomAD exomes 0.00002 and 0.00003; TOPMed 0.00002; ExAC 0.00003.
gnomAD v4.1: 31 of 1,612,882 alleles (0.0019%); highest among the groups gnomAD compares: Non-Finnish European, 0.0024%; no homozygotes.

Submissions (2):

Ambry Genetics
Classification: Likely benign for Inborn genetic diseases. Last evaluated: 2025-02-11. Review status: criteria provided, single submitter. Criteria: Ambry Variant Classification Scheme 2023. Collection method: clinical testing. Allele origin: germline.

Labcorp Genetics (formerly Invitae), Labcorp
Classification: Uncertain significance. Last evaluated: 2023-09-09. Review status: criteria provided, single submitter. Criteria: Invitae Variant Classification Sherloc (09022015). Collection method: clinical testing. Allele origin: germline.
Comment: Advanced modeling of protein sequence and biophysical properties (such as structural, functional, and spatial information, amino acid conservation, physicochemical variation, residue mobility, and thermodynamic stability) performed at Invitae indicates that this missense variant is not expected to disrupt PDE6B protein function. ClinVar contains an entry for this variant (Variation ID: 954031). This variant has not been reported in the literature in individuals affected with PDE6B-related conditions. This variant is present in population databases (rs757030384, gnomAD 0.005%). This sequence change replaces isoleucine, which is neutral and non-polar, with valine, which is neutral and non-polar, at codon 70 of the PDE6B protein (p.Ile70Val). In summary, the available evidence is currently insufficient to determine the role of this variant in disease. Therefore, it has been classified as a Variant of Uncertain Significance.

NM_000283.4(PDE6B):c.208A>G (p.Ile70Val)

Gene: PDE6B (phosphodiesterase 6B; plus strand). Cytogenetic location: 4p16.3.
Variant type: single nucleotide variant.
Coding change: c.208A>G on transcript NM_000283.4 (MANE Select); coding-DNA position 208, A replaced by G.
Protein change: p.Ile70Val; replaces isoleucine 70 with valine.
Molecular consequence: missense variant.
Genome position (GRCh38, 1-based): chr4:625,834, A>G. VCF-style: chr4-625834-A-G. GRCh37 (hg19) VCF-style: chr4-619623-A-G.
Other names: c.208A>G, p.Ile70Val (NM_001145291.2); short protein forms I70V.
Identifiers: ClinVar variation 954031 (VCV000954031.10), dbSNP rs757030384, ClinGen allele CA2793871.